The following is an entry in ClinVar:

NM_032856.5(WDR73):c.618del (p.Gln207fs)

Gene: WDR73 (WD repeat domain 73; minus strand). Cytogenetic location: 15q25.2.
Variant type: Deletion.
Coding change: c.618del on transcript NM_032856.5 (MANE Select); coding-DNA position 618, one base deleted (G; older notation c.618delG).
Protein change: p.Gln207fs; shifts the reading frame from glutamine 207.
Molecular consequence: frameshift variant. On other transcripts: non-coding transcript variant (4).
Genome position (GRCh38, 1-based): chr15:84,645,736, C deleted on the plus strand (G on the coding strand, the reverse complement: WDR73 is on the minus strand); the first of 2 consecutive C bases (chr15:84,645,736-84,645,737); deleting either gives the same sequence. VCF-style (leftmost placement, unchanged base first): chr15-84645735-GC-G. GRCh37 (hg19) VCF-style: chr15-85188966-GC-G.
Other names: short protein forms Q207fs.
Identifiers: ClinVar variation 4717466 (VCV004717466.1).

ClinVar aggregate classification (germline): Pathogenic (1 of 4 stars; one submission).

Submission:

Labcorp Genetics (formerly Invitae), Labcorp
Classification: Pathogenic. Last evaluated: 2025-04-13. Review status: criteria provided, single submitter. Criteria: Invitae Variant Classification Sherloc (09022015). Collection method: clinical testing. Allele origin: germline.
Comment: This sequence change creates a premature translational stop signal (p.Gln207Argfs*56) in the WDR73 gene. It is expected to result in an absent or disrupted protein product. Loss-of-function variants in WDR73 are known to be pathogenic (PMID: 25466283, 25873735, 26123727). This variant is not present in population databases (gnomAD no frequency). This variant has not been reported in the literature in individuals affected with WDR73-related conditions. For these reasons, this variant has been classified as Pathogenic.

Literature cited by the submitters: PubMed 25466283; PubMed 25873735; PubMed 26123727.